The following is an entry in ClinVar:

ClinVar aggregate classification (germline): Conflicting classifications of pathogenicity. Review status: criteria provided, conflicting classifications (1 of 4 stars). 4 submissions from 4 submitters: Uncertain significance (1); Benign (1); Likely benign (1). 1 of the submissions does not count toward it. Last evaluated 2026-01-28.

Conditions:
FANCI-related disorder. Also called: FANCI-related condition.
Fanconi anemia complementation group I (FANCI). Also called: FANCI-Related Fanconi Anemia. Identifiers: Orphanet 84, MedGen C1836861, MONDO:0012186, OMIM 609053.
Fanconi anemia (FA). Also called: Fanconi's anemia. Identifiers: Orphanet 84, MedGen C0015625, MeSH D005199, MONDO:0019391.

Allele frequency attached by ClinVar (database versions not stated): gnomAD 0.00006; gnomAD exomes 0.00008 and 0.00017; TOPMed 0.00014; ExAC 0.00017; ESP Exome Variant Server 0.00023.
gnomAD v4.1: 154 of 1,612,704 alleles (0.0095%); highest among the groups gnomAD compares: Middle Eastern, 0.016%; no homozygotes.

Submissions (4):

Labcorp Genetics (formerly Invitae), Labcorp
Classification: Benign for Fanconi anemia. Last evaluated: 2026-01-28. Review status: criteria provided, single submitter. Criteria: Invitae Variant Classification Sherloc (09022015). Collection method: clinical testing. Allele origin: germline.

Blueprint Genetics
Classification: Likely benign. Last evaluated: 2024-10-15. Review status: criteria provided, single submitter. Criteria: ACMG Guidelines, 2015. Collection method: clinical testing. Allele origin: germline.

Illumina Laboratory Services, Illumina
Classification: Uncertain significance for Fanconi anemia complementation group I. Last evaluated: 2018-01-13. Review status: criteria provided, single submitter. Criteria: ICSL Variant Classification Criteria 13 December 2019. Collection method: clinical testing. Allele origin: germline.

PreventionGenetics, part of Exact Sciences
Classification: Likely benign for FANCI-related condition. Last evaluated: 2022-06-16. Review status: no assertion criteria provided. Collection method: clinical testing. Allele origin: germline. Not counted in ClinVar's aggregate classification.
Comment: This variant is classified as likely benign based on ACMG/AMP sequence variant interpretation guidelines (Richards et al. 2015 PMID: 25741868, with internal and published modifications).

NM_001113378.2(FANCI):c.288+10C>T

Gene: FANCI (FA complementation group I; plus strand). Cytogenetic location: 15q26.1.
Variant type: single nucleotide variant.
Coding change: c.288+10C>T on transcript NM_001113378.2 (MANE Select); 10 bases into the intron after coding-DNA position 288, C replaced by T.
Molecular consequence: intron variant.
Genome position (GRCh38, 1-based): chr15:89,260,853, C>T. VCF-style: chr15-89260853-C-T. GRCh37 (hg19) VCF-style: chr15-89804084-C-T.
Other names: c.288+10C>T (NM_018193.3, NM_001376911.1); c.9+10C>T (NM_001376910.1).
Identifiers: ClinVar variation 317259 (VCV000317259.16), dbSNP rs370505986, ClinGen allele CA7722552.